The following is an entry in ClinVar:

NM_001903.5(CTNNA1):c.2053G>A (p.Ala685Thr)

Gene: CTNNA1 (catenin alpha 1; plus strand). Cytogenetic location: 5q31.2.
Variant type: single nucleotide variant.
Coding change: c.2053G>A on transcript NM_001903.5 (MANE Select); coding-DNA position 2053, G replaced by A.
Protein change: p.Ala685Thr; replaces alanine 685 with threonine.
Molecular consequence: missense variant.
Genome position (GRCh38, 1-based): chr5:138,930,515, G>A. VCF-style: chr5-138930515-G-A. GRCh37 (hg19) VCF-style: chr5-138266204-G-A.
Other names: c.2053G>A, p.Ala685Thr (NM_001290307.3, NM_001323982.2, NM_001323983.1 and 2 more transcripts); c.1744G>A, p.Ala582Thr (NM_001290309.3); c.1684G>A, p.Ala562Thr (NM_001290310.3); c.943G>A, p.Ala315Thr (NM_001290312.1, NM_001323987.1, NM_001323988.1 and 17 more transcripts); c.1960G>A, p.Ala654Thr (NM_001323986.2); c.604G>A, p.Ala202Thr (NM_001324006.1, NM_001324007.1, NM_001324008.1 and 2 more transcripts); c.850G>A, p.Ala284Thr (NM_001324011.1); c.700G>A, p.Ala234Thr (NM_001324012.1, NM_001324013.1); short protein forms A202T, A234T, A284T, A315T, A562T, A582T, A654T, A685T.
Identifiers: ClinVar variation 2572969 (VCV002572969.2), dbSNP rs2533848095, ClinGen allele CA361133388.

ClinVar aggregate classification (germline): Uncertain significance. Review status: criteria provided, multiple submitters, no conflicts (2 of 4 stars). 2 submissions from 2 submitters: Uncertain significance (2). Last evaluated 2025-03-04.

Submissions (2):

Center for Genomic Medicine, Rigshospitalet, Copenhagen University Hospital
Classification: Uncertain significance. Last evaluated: 2025-03-04. Review status: criteria provided, single submitter. Criteria: ACMG Guidelines, 2015. Collection method: clinical testing. Allele origin: germline.

GeneDx
Classification: Uncertain significance. Last evaluated: 2023-01-13. Review status: criteria provided, single submitter. Criteria: GeneDx Variant Classification Process June 2021. Collection method: clinical testing. Allele origin: germline. Affected: yes.
Comment: Not observed at significant frequency in large population cohorts (gnomAD); In silico analysis supports that this missense variant does not alter protein structure/function; Has not been previously published as pathogenic or benign to our knowledge